The following is an entry in ClinVar:

NM_000256.3(MYBPC3):c.3243T>C (p.Asn1081=)

Gene: MYBPC3 (myosin binding protein C3; minus strand). Cytogenetic location: 11p11.2.
Variant type: single nucleotide variant.
Coding change: c.3243T>C on transcript NM_000256.3 (MANE Select); coding-DNA position 3243, T replaced by C.
Protein change: p.Asn1081=; no amino-acid change (asparagine 1081 retained).
Molecular consequence: synonymous variant.
Genome position (GRCh38, 1-based): chr11:47,333,281, A>G on the plus strand (T>C on the coding strand, the complement: MYBPC3 is on the minus strand). VCF-style: chr11-47333281-A-G. GRCh37 (hg19) VCF-style: chr11-47354832-A-G.
Identifiers: ClinVar variation 925864 (VCV000925864.7), dbSNP rs2095879075, ClinGen allele CA474212203.

ClinVar aggregate classification (germline): Likely benign. Review status: criteria provided, multiple submitters, no conflicts (2 of 4 stars). 4 submissions from 4 submitters: Likely benign (4). Last evaluated 2024-05-08.

Conditions:
Cardiovascular phenotype. Identifiers: MedGen CN230736.
Cardiomyopathy (CMYO). Also called: Cardiomyopathies. Identifiers: Orphanet 167848, MedGen C0878544, MONDO:0004994, HP:0001638. Inheritance: Various modes of inheritance.
Hypertrophic cardiomyopathy. Also called: HYPERTROPHIC MYOCARDIOPATHY. Identifiers: Orphanet 217569, MedGen C0007194, MeSH D002312, MONDO:0005045, HP:0001639.

Allele frequency attached by ClinVar (database versions not stated): gnomAD exomes below 0.00001.
gnomAD v4.1: 3 of 1,590,708 alleles (0.00019%); highest among the groups gnomAD compares: South Asian, 0.0023%; no homozygotes.

Submissions (4):

Labcorp Genetics (formerly Invitae), Labcorp
Classification: Likely benign for Hypertrophic cardiomyopathy. Last evaluated: 2024-05-08. Review status: criteria provided, single submitter. Criteria: Invitae Variant Classification Sherloc (09022015). Collection method: clinical testing. Allele origin: germline.

All of Us Research Program, National Institutes of Health
Classification: Likely benign for Hypertrophic cardiomyopathy. Last evaluated: 2023-11-20. Review status: criteria provided, single submitter. Criteria: ACMG Guidelines, 2015. Collection method: clinical testing. Allele origin: germline. Inheritance: Autosomal dominant inheritance. Observed: 2 variant alleles, 2 heterozygotes.
Comment: This study involves interpretation of variants in research participants for the purpose of population health screening. Participant phenotype was not available at the time of variant classification. Additional details can be found in publication PMID: 35346344, PMCID: PMC8962531

Ambry Genetics
Classification: Likely benign for Cardiovascular phenotype. Last evaluated: 2023-01-22. Review status: criteria provided, single submitter. Criteria: Ambry Variant Classification Scheme 2023. Collection method: clinical testing. Allele origin: germline.

Color Diagnostics, LLC DBA Color Health
Classification: Likely benign for Cardiomyopathy. Last evaluated: 2019-12-03. Review status: criteria provided, single submitter. Criteria: ACMG Guidelines, 2015. Collection method: clinical testing. Allele origin: germline.